The following is an entry in ClinVar:

NM_001242896.3(DEPDC5):c.385A>G (p.Thr129Ala)

Gene: DEPDC5 (DEP domain containing 5, GATOR1 subcomplex subunit; plus strand). Cytogenetic location: 22q12.2.
Variant type: single nucleotide variant.
Coding change: c.385A>G on transcript NM_001242896.3 (MANE Select); coding-DNA position 385, A replaced by G.
Protein change: p.Thr129Ala; replaces threonine 129 with alanine.
Molecular consequence: missense variant. On other transcripts: non-coding transcript variant (5).
Genome position (GRCh38, 1-based): chr22:31,768,835, A>G. VCF-style: chr22-31768835-A-G. GRCh37 (hg19) VCF-style: chr22-32164821-A-G.
Other names: c.385A>G, p.Thr129Ala (NM_001007188.4, NM_001136029.4, NM_001242897.2 and 7 more transcripts); c.301A>G, p.Thr101Ala (NM_001369901.1, NM_001369902.1); short protein forms T129A, T101A.
Identifiers: ClinVar variation 4765428 (VCV004765428.1).

ClinVar aggregate classification (germline): Uncertain significance (1 of 4 stars; one submission).

Conditions:
Familial focal epilepsy with variable foci (FPEVF). Identifiers: Orphanet 98820, MedGen C1858477, MONDO:0020310.

gnomAD v4.1: 1 of 1,612,104 alleles (0.000062%); highest among the groups gnomAD compares: East Asian, 0.0022%; no homozygotes.

Submission:

Labcorp Genetics (formerly Invitae), Labcorp
Classification: Uncertain significance for Familial focal epilepsy with variable foci. Last evaluated: 2025-08-20. Review status: criteria provided, single submitter. Criteria: Invitae Variant Classification Sherloc (09022015). Collection method: clinical testing. Allele origin: germline.
Comment: This sequence change replaces threonine, which is neutral and polar, with alanine, which is neutral and non-polar, at codon 129 of the DEPDC5 protein (p.Thr129Ala). This variant is present in population databases (no rsID available, gnomAD 0.006%). This variant has not been reported in the literature in individuals affected with DEPDC5-related conditions. Experimental studies and prediction algorithms are not available or were not evaluated, and the functional significance of this variant is currently unknown. In summary, the available evidence is currently insufficient to determine the role of this variant in disease. Therefore, it has been classified as a Variant of Uncertain Significance.